The following is an entry in ClinVar:

ClinVar aggregate classification (germline): Likely benign (1 of 4 stars; one submission).

Conditions:
PKD1-related disorder. Also called: PKD1-related condition.

gnomAD v4.1: 11 of 1,609,780 alleles (0.00068%); highest among the groups gnomAD compares: Middle Eastern, 0.023%; no homozygotes.

Submission:

PreventionGenetics, part of Exact Sciences
Classification: Likely benign for PKD1-related condition. Last evaluated: 2024-12-18. Review status: criteria provided, single submitter. Criteria: ACMG Guidelines, 2015. Collection method: clinical testing. Allele origin: germline.
Comment: This variant is classified as likely benign based on ACMG/AMP sequence variant interpretation guidelines (Richards et al. 2015 PMID: 25741868, with internal and published modifications).

NM_001009944.3(PKD1):c.8948+19C>A

Gene: PKD1 (polycystin 1, transient receptor potential channel interacting; minus strand). Cytogenetic location: 16p13.3.
Variant type: single nucleotide variant.
Coding change: c.8948+19C>A on transcript NM_001009944.3 (MANE Select); 19 bases into the intron after coding-DNA position 8948, C replaced by A.
Molecular consequence: intron variant.
Genome position (GRCh38, 1-based): chr16:2,102,795, G>T on the plus strand (C>A on the coding strand, the complement: PKD1 is on the minus strand). VCF-style: chr16-2102795-G-T. GRCh37 (hg19) VCF-style: chr16-2152796-G-T.
Other names: c.8948+19C>A (NM_000296.4).
Identifiers: ClinVar variation 4980068 (VCV004980068.1).